The following is an entry in ClinVar:

NM_198253.3(TERT):c.173T>G (p.Val58Gly)

Genes: TERT (telomerase reverse transcriptase; minus strand), LOC110806263 (TERT 5' regulatory region; plus strand). Cytogenetic location: 5p15.33.
Variant type: single nucleotide variant.
Coding change: c.173T>G on transcript NM_198253.3 (MANE Select); coding-DNA position 173, T replaced by G.
Protein change: p.Val58Gly; replaces valine 58 with glycine.
Molecular consequence: missense variant. On other transcripts: non-coding transcript variant (2).
Genome position (GRCh38, 1-based): chr5:1,294,817, A>C on the plus strand (T>G on the coding strand, the complement: TERT is on the minus strand). VCF-style: chr5-1294817-A-C. GRCh37 (hg19) VCF-style: chr5-1294932-A-C.
Other names: c.173T>G, p.Val58Gly (NM_001193376.3); short protein forms V58G.
Identifiers: ClinVar variation 5030627 (VCV005030627.1).

ClinVar aggregate classification (germline): Uncertain significance (1 of 4 stars; one submission).

Conditions:
Dyskeratosis congenita. Identifiers: Orphanet 1775, MedGen C0265965, MONDO:0015780.

Submission:

Ambry Genetics
Classification: Uncertain significance for Dyskeratosis congenita. Last evaluated: 2026-07-04. Review status: criteria provided, single submitter. Criteria: Ambry Variant Classification Scheme 2023. Collection method: clinical testing. Allele origin: germline.
Comment: The p.V58G variant (also known as c.173T>G), located in coding exon 1 of the TERT gene, results from a T to G substitution at nucleotide position 173. The valine at codon 58 is replaced by glycine, an amino acid with dissimilar properties. This amino acid position is conserved. In addition, the in silico prediction for this alteration is inconclusive. Based on the available evidence, the clinical significance of this variant remains unclear.